The following is an entry in ClinVar:

NM_058246.4(DNAJB6):c.844G>A (p.Glu282Lys)

Gene: DNAJB6 (DnaJ heat shock protein family (Hsp40) member B6; plus strand). Cytogenetic location: 7q36.3.
Variant type: single nucleotide variant.
Coding change: c.844G>A on transcript NM_058246.4 (MANE Select); coding-DNA position 844, G replaced by A.
Protein change: p.Glu282Lys; replaces glutamic acid 282 with lysine.
Molecular consequence: missense variant.
Genome position (GRCh38, 1-based): chr7:157,409,947, G>A. VCF-style: chr7-157409947-G-A. GRCh37 (hg19) VCF-style: chr7-157202641-G-A.
Other names: c.499G>A, p.Glu167Lys (NM_001363676.1); short protein forms E167K, E282K.
Identifiers: ClinVar variation 911502 (VCV000911502.13), dbSNP rs911721201, ClinGen allele CA370167447.

ClinVar aggregate classification (germline): Uncertain significance. Review status: criteria provided, multiple submitters, no conflicts (2 of 4 stars). 3 submissions from 3 submitters: Uncertain significance (3). Last evaluated 2025-11-28.

Conditions:
Autosomal dominant limb-girdle muscular dystrophy type 1D (DNAJB6) (LGMDD1). Also called: Autosomal dominant limb-girdle muscular dystrophy type 1D; Muscular dystrophy, limb-girdle, autosomal dominant 1; MUSCULAR DYSTROPHY, AUTOSOMAL DOMINANT, WITH RIMMED VACUOLES; MUSCULAR DYSTROPHY, LIMB-GIRDLE, TYPE 1D. Identifiers: Orphanet 34516, MedGen C4721885, MONDO:0021018, OMIM 603511.

Submissions (3):

Labcorp Genetics (formerly Invitae), Labcorp
Classification: Uncertain significance for Autosomal dominant limb-girdle muscular dystrophy type 1D (DNAJB6). Last evaluated: 2025-11-28. Review status: criteria provided, single submitter. Criteria: Invitae Variant Classification Sherloc (09022015). Collection method: clinical testing. Allele origin: germline.
Comment: This sequence change replaces glutamic acid, which is acidic and polar, with lysine, which is basic and polar, at codon 282 of the DNAJB6 protein (p.Glu282Lys). This variant is not present in population databases (gnomAD no frequency). This variant has not been reported in the literature in individuals affected with DNAJB6-related conditions. ClinVar contains an entry for this variant (Variation ID: 911502). Invitae Evidence Modeling of protein sequence and biophysical properties (such as structural, functional, and spatial information, amino acid conservation, physicochemical variation, residue mobility, and thermodynamic stability) indicates that this missense variant is not expected to disrupt DNAJB6 protein function with a negative predictive value of 80%. In summary, the available evidence is currently insufficient to determine the role of this variant in disease. Therefore, it has been classified as a Variant of Uncertain Significance.

Revvity Omics, Revvity
Classification: Uncertain significance for Autosomal dominant limb-girdle muscular dystrophy type 1D (DNAJB6). Last evaluated: 2021-07-29. Review status: criteria provided, single submitter. Criteria: ACMG Guidelines, 2015. Collection method: clinical testing. Allele origin: germline.

Illumina Laboratory Services, Illumina
Classification: Uncertain significance for Autosomal dominant limb-girdle muscular dystrophy type 1D (DNAJB6). Last evaluated: 2018-01-12. Review status: criteria provided, single submitter. Criteria: ICSL Variant Classification Criteria 13 December 2019. Collection method: clinical testing. Allele origin: germline.